The following is an entry in ClinVar:

ClinVar aggregate classification (germline): Uncertain significance (1 of 4 stars; one submission).

Conditions:
Progressive myoclonic epilepsy type 7. Identifiers: Orphanet 435438, MedGen C4015420, MONDO:0014521, OMIM 616187.

Submission:

3billion
Classification: Uncertain significance for Progressive myoclonic epilepsy type 7. Last evaluated: 2024-11-09. Review status: criteria provided, single submitter. Criteria: ACMG Guidelines, 2015. Collection method: clinical testing. Allele origin: germline. Affected: yes.
Comment: The variant is not observed in the gnomAD v4.1.0 dataset. Predicted Consequence/Location: Missense variant. Missense changes are a common disease-causing mechanism. In silico tool predictions suggest damaging effect of the variant on gene or gene product [REVEL: 0.85 (>=0.6, sensitivity 0.68 and specificity 0.92)]. Different missense changes at the same codon have been reported as of uncertain significance (ClinVar ID: VCV002767380). Therefore, this variant is classified as VUS according to the recommendation of ACMG/AMP guideline.

NM_001112741.2(KCNC1):c.74C>A (p.Thr25Asn)

Gene: KCNC1 (potassium voltage-gated channel subfamily C member 1; plus strand). Cytogenetic location: 11p15.1.
Variant type: single nucleotide variant.
Coding change: c.74C>A on transcript NM_001112741.2 (MANE Select); coding-DNA position 74, C replaced by A.
Protein change: p.Thr25Asn; replaces threonine 25 with asparagine.
Molecular consequence: missense variant.
Genome position (GRCh38, 1-based): chr11:17,736,076, C>A. VCF-style: chr11-17736076-C-A. GRCh37 (hg19) VCF-style: chr11-17757623-C-A.
Other names: c.74C>A, p.Thr25Asn (NM_004976.4); short protein forms T25N.
Identifiers: ClinVar variation 4292531 (VCV004292531.1).
Genomic context (GRCh38, chr11:17,736,076, plus strand): 5'-ACGAGAGCGAGCGCATCGTGATCAACGTGGGCGGCACGCGCCACCAGACGTACCGCTCGA[C>A]CCTGCGCACGCTGCCCGGCACGCGGCTCGCCTGGCTGGCGGAGCCCGACGCCCACAGCCA-3'
Protein context (NP_001106212.1, residues 15-35): GGTRHQTYRS[Thr25Asn]LRTLPGTRLA